The following is an entry in ClinVar:

NM_004064.5(CDKN1B):c.571C>T (p.Pro191Ser)

Gene: CDKN1B (cyclin dependent kinase inhibitor 1B; plus strand). Cytogenetic location: 12p13.1.
Variant type: single nucleotide variant.
Coding change: c.571C>T on transcript NM_004064.5 (MANE Select); coding-DNA position 571, C replaced by T.
Protein change: p.Pro191Ser; replaces proline 191 with serine.
Molecular consequence: missense variant.
Genome position (GRCh38, 1-based): chr12:12,718,920, C>T. VCF-style: chr12-12718920-C-T. GRCh37 (hg19) VCF-style: chr12-12871854-C-T.
Other names: short protein forms P191S.
Identifiers: ClinVar variation 2497640 (VCV002497640.6), dbSNP rs1946513256, ClinGen allele CA383973165.

ClinVar aggregate classification (germline): Conflicting classifications of pathogenicity. Review status: criteria provided, conflicting classifications (1 of 4 stars). 2 submissions from 2 submitters: Uncertain significance (1); Likely benign (1). Last evaluated 2025-01-11.

Conditions:
Multiple endocrine neoplasia type 4. Also called: MULTIPLE ENDOCRINE NEOPLASIA, TYPE IV. Identifiers: Orphanet 276152, MedGen C1970712, MONDO:0012552, OMIM 610755.
Hereditary cancer-predisposing syndrome. Also called: Tumor predisposition; Hereditary neoplastic syndrome; Neoplastic Syndromes, Hereditary; Hereditary Cancer Syndrome. Identifiers: Orphanet 140162, MedGen C0027672, MeSH D009386, MONDO:0015356.

Submissions (2):

Ambry Genetics
Classification: Likely benign for Hereditary cancer-predisposing syndrome. Last evaluated: 2025-01-11. Review status: criteria provided, single submitter. Criteria: Ambry Variant Classification Scheme 2023. Collection method: clinical testing. Allele origin: germline.

Labcorp Genetics (formerly Invitae), Labcorp
Classification: Uncertain significance for Multiple endocrine neoplasia type 4. Last evaluated: 2024-11-18. Review status: criteria provided, single submitter. Criteria: Invitae Variant Classification Sherloc (09022015). Collection method: clinical testing. Allele origin: germline.
Comment: This sequence change replaces proline, which is neutral and non-polar, with serine, which is neutral and polar, at codon 191 of the CDKN1B protein (p.Pro191Ser). This variant is not present in population databases (gnomAD no frequency). This variant has not been reported in the literature in individuals affected with CDKN1B-related conditions. ClinVar contains an entry for this variant (Variation ID: 2497640). An algorithm developed to predict the effect of missense changes on protein structure and function (PolyPhen-2) suggests that this variant is likely to be tolerated. In summary, the available evidence is currently insufficient to determine the role of this variant in disease. Therefore, it has been classified as a Variant of Uncertain Significance.